The following is an entry in ClinVar:

ClinVar aggregate classification (germline): Uncertain significance (1 of 4 stars; one submission).

Submission:

GeneDx
Classification: Uncertain significance. Last evaluated: 2024-04-01. Review status: criteria provided, single submitter. Criteria: GeneDx Variant Classification Process June 2021. Collection method: clinical testing. Allele origin: germline. Affected: yes.
Comment: Not observed at significant frequency in large population cohorts (gnomAD); In silico analysis supports that this missense variant has a deleterious effect on protein structure/function; Has not been previously published as pathogenic or benign to our knowledge

NM_006421.5(ARFGEF1):c.74T>C (p.Val25Ala)

Gene: ARFGEF1 (ARF guanine nucleotide exchange factor 1; minus strand). Cytogenetic location: 8q13.2.
Variant type: single nucleotide variant.
Coding change: c.74T>C on transcript NM_006421.5 (MANE Select); coding-DNA position 74, T replaced by C.
Protein change: p.Val25Ala; replaces valine 25 with alanine.
Molecular consequence: missense variant. On other transcripts: 5 prime UTR variant (4), non-coding transcript variant (1).
Genome position (GRCh38, 1-based): chr8:67,343,214, A>G on the plus strand (T>C on the coding strand, the complement: ARFGEF1 is on the minus strand). VCF-style: chr8-67343214-A-G. GRCh37 (hg19) VCF-style: chr8-68255449-A-G.
Other names: c.74T>C, p.Val25Ala (NM_001413184.1, NM_001413185.1, NM_001413186.1 and 7 more transcripts); c.-517T>C (NM_001413188.1); c.-563T>C (NM_001413193.1); c.-1042T>C (NM_001413196.1); c.-496T>C (NM_001413197.1); short protein forms V25A.
Identifiers: ClinVar variation 3371756 (VCV003371756.1).